The following is an entry in ClinVar:

ClinVar aggregate classification (germline): Uncertain significance (1 of 4 stars; one submission).

Allele frequency attached by ClinVar (database versions not stated): TOPMed below 0.00001; gnomAD 0.00001.
gnomAD v4.1: 1 of 1,613,970 alleles (0.000062%); highest among the groups gnomAD compares: Non-Finnish European, 0.000085%; no homozygotes.

Submission:

Labcorp Genetics (formerly Invitae), Labcorp
Classification: Uncertain significance. Last evaluated: 2021-09-04. Review status: criteria provided, single submitter. Criteria: Invitae Variant Classification Sherloc (09022015). Collection method: clinical testing. Allele origin: germline.
Comment: This variant is not present in population databases (ExAC no frequency). This sequence change replaces serine with asparagine at codon 268 of the GNB3 protein (p.Ser268Asn). The serine residue is moderately conserved and there is a small physicochemical difference between serine and asparagine. In summary, the available evidence is currently insufficient to determine the role of this variant in disease. Therefore, it has been classified as a Variant of Uncertain Significance. Algorithms developed to predict the effect of missense changes on protein structure and function (SIFT, PolyPhen-2, Align-GVGD) all suggest that this variant is likely to be tolerated. This variant has not been reported in the literature in individuals affected with GNB3-related conditions.

NM_002075.4(GNB3):c.803G>A (p.Ser268Asn)

Genes: CDCA3 (cell division cycle associated 3; minus strand), GNB3 (G protein subunit beta 3; plus strand). Cytogenetic location: 12p13.31.
Variant type: single nucleotide variant.
Coding change: c.803G>A on transcript NM_002075.4 (MANE Select); coding-DNA position 803, G replaced by A.
Protein change: p.Ser268Asn; replaces serine 268 with asparagine.
Molecular consequence: missense variant. On other transcripts: 3 prime UTR variant (1).
Genome position (GRCh38, 1-based): chr12:6,845,689, G>A. VCF-style: chr12-6845689-G-A. GRCh37 (hg19) VCF-style: chr12-6954853-G-A.
Other names: c.800G>A, p.Ser267Asn (NM_001297571.2); c.*1099C>T (NM_001297603.3); short protein forms S268N, S267N.
Identifiers: ClinVar variation 1443913 (VCV001443913.7), dbSNP rs1328398910, ClinGen allele CA383675006.